The following is an entry in ClinVar:

ClinVar aggregate classification (germline): Likely benign. Review status: criteria provided, single submitter (1 of 4 stars). 2 submissions from 2 submitters: Likely benign (1). 1 of the submissions does not count toward it. Last evaluated 2023-04-06.

Conditions:
BBS9-related disorder. Also called: BBS9-related condition.
Bardet-Biedl syndrome (BBS). Identifiers: Orphanet 110, MedGen C0752166, MONDO:0015229.

Allele frequency attached by ClinVar (database versions not stated): gnomAD exomes below 0.00001; TOPMed 0.00001.
gnomAD v4.1: 1 of 1,613,740 alleles (0.000062%); highest among the groups gnomAD compares: East Asian, 0.0022%; no homozygotes.

Submissions (2):

Labcorp Genetics (formerly Invitae), Labcorp
Classification: Likely benign for Bardet-Biedl syndrome. Last evaluated: 2023-04-06. Review status: criteria provided, single submitter. Criteria: Invitae Variant Classification Sherloc (09022015). Collection method: clinical testing. Allele origin: germline.

PreventionGenetics, part of Exact Sciences
Classification: Likely benign for BBS9-related condition. Last evaluated: 2020-07-13. Review status: no assertion criteria provided. Collection method: clinical testing. Allele origin: germline. Not counted in ClinVar's aggregate classification.
Comment: This variant is classified as likely benign based on ACMG/AMP sequence variant interpretation guidelines (Richards et al. 2015 PMID: 25741868, with internal and published modifications).

NM_198428.3(BBS9):c.828A>G (p.Gln276=)

Gene: BBS9 (Bardet-Biedl syndrome 9; plus strand). Cytogenetic location: 7p14.3.
Variant type: single nucleotide variant.
Coding change: c.828A>G on transcript NM_198428.3 (MANE Select); coding-DNA position 828, A replaced by G.
Protein change: p.Gln276=; no amino-acid change (glutamine 276 retained).
Molecular consequence: synonymous variant. On other transcripts: non-coding transcript variant (3).
Genome position (GRCh38, 1-based): chr7:33,273,137, A>G. VCF-style: chr7-33273137-A-G. GRCh37 (hg19) VCF-style: chr7-33312749-A-G.
Other names: c.828A>G, p.Gln276= (NM_001033605.2, NM_001348036.1, NM_001348040.3 and 7 more transcripts); c.462A>G, p.Gln154= (NM_001348037.3, NM_001348044.3, NM_001348045.3 and 1 more transcripts); c.555A>G, p.Gln185= (NM_001348038.3, NM_001348039.3); c.693A>G, p.Gln231= (NM_001348042.3); c.828A>G (NM_198428.2).
Identifiers: ClinVar variation 2833425 (VCV002833425.4), dbSNP rs1800122700, ClinGen allele CA454458649.